The following is an entry in ClinVar:

ClinVar aggregate classification (germline): Uncertain significance. Review status: criteria provided, multiple submitters, no conflicts (2 of 4 stars). 2 submissions from 2 submitters: Uncertain significance (2). Last evaluated 2024-06-22.

Conditions:
Inborn genetic diseases. Identifiers: MedGen C0950123, MeSH D030342.
Ellis-van Creveld syndrome (EVC). Also called: EVC-Related Ellis-van Creveld Syndrome; EVC2-Related Ellis-van Creveld Syndrome; Chondroectodermal dysplasia; MESOECTODERMAL DYSPLASIA. Identifiers: Orphanet 289, MedGen C0013903, MONDO:0009162, OMIM 225500.
Curry-Hall syndrome (WAD). Also called: WEYERS ACRODENTAL DYSOSTOSIS. Identifiers: Orphanet 952, MedGen C0457013, MONDO:0008673, OMIM 193530.

Allele frequency attached by ClinVar (database versions not stated): gnomAD exomes below 0.00001; gnomAD 0.00002; TOPMed 0.00004.
gnomAD v4.1: 14 of 1,613,518 alleles (0.00087%); highest among the groups gnomAD compares: African/African-American, 0.011%; no homozygotes.

Submissions (2):

Ambry Genetics
Classification: Uncertain significance for Inborn genetic diseases. Last evaluated: 2024-06-22. Review status: criteria provided, single submitter. Criteria: Ambry Variant Classification Scheme 2023. Collection method: clinical testing. Allele origin: germline.

Labcorp Genetics (formerly Invitae), Labcorp
Classification: Uncertain significance for Curry-Hall syndrome; Ellis-van Creveld syndrome. Last evaluated: 2022-02-24. Review status: criteria provided, single submitter. Criteria: Invitae Variant Classification Sherloc (09022015). Collection method: clinical testing. Allele origin: germline.
Comment: This sequence change replaces glutamine, which is neutral and polar, with leucine, which is neutral and non-polar, at codon 894 of the EVC2 protein (p.Gln894Leu). This variant is present in population databases (rs556658594, gnomAD 0.007%). This variant has not been reported in the literature in individuals affected with EVC2-related conditions. Algorithms developed to predict the effect of missense changes on protein structure and function (SIFT, PolyPhen-2, Align-GVGD) all suggest that this variant is likely to be disruptive. In summary, the available evidence is currently insufficient to determine the role of this variant in disease. Therefore, it has been classified as a Variant of Uncertain Significance.

NM_147127.5(EVC2):c.2681A>T (p.Gln894Leu)

Gene: EVC2 (EvC ciliary complex subunit 2; minus strand). Cytogenetic location: 4p16.2.
Variant type: single nucleotide variant.
Coding change: c.2681A>T on transcript NM_147127.5 (MANE Select); coding-DNA position 2681, A replaced by T.
Protein change: p.Gln894Leu; replaces glutamine 894 with leucine.
Molecular consequence: missense variant.
Genome position (GRCh38, 1-based): chr4:5,618,503, T>A on the plus strand (A>T on the coding strand, the complement: EVC2 is on the minus strand). VCF-style: chr4-5618503-T-A. GRCh37 (hg19) VCF-style: chr4-5620230-T-A.
Other names: c.2681A>T (NM_147127.4); c.2441A>T, p.Gln814Leu (NM_001166136.2); short protein forms Q894L, Q814L.
Identifiers: ClinVar variation 1404689 (VCV001404689.8), dbSNP rs556658594, ClinGen allele CA91696860.